The following is an entry in ClinVar:

ClinVar aggregate classification (germline): Benign/Likely benign. Review status: criteria provided, multiple submitters, no conflicts (2 of 4 stars). 10 submissions from 5 submitters: Benign (5); Likely benign (4). 1 of the submissions does not count toward it. Last evaluated 2025-12-15.

Conditions:
TRPV4-related disorder. Also called: TRPV4-related disorders; TRPV4-related condition.
Inborn genetic diseases. Identifiers: MedGen C0950123, MeSH D030342.
Scapuloperoneal spinal muscular atrophy (SPSMA). Also called: Scapuloperoneal Spinal Muscular Atrophy, TRPV4-Related; AMYOTROPHY, NEUROGENIC SCAPULOPERONEAL, NEW ENGLAND TYPE; Scapuloperoneal Form of Spinal Muscular Atrophy; Scapuloperoneal spinal muscular atrophy, autosomal dominant. Identifiers: Orphanet 431255, MedGen C0751335, MONDO:0008408, OMIM 181405.
Neuronopathy, distal hereditary motor, autosomal dominant 8. Also called: Autosomal dominant congenital benign spinal muscular atrophy; SPINAL MUSCULAR ATROPHY, CONGENITAL BENIGN, WITH CONTRACTURES; NEURONOPATHY, DISTAL HEREDITARY MOTOR, TYPE VIII; NEUROPATHY, DISTAL HEREDITARY MOTOR, TYPE VIII. Identifiers: Orphanet 1216, MedGen C1838492, MONDO:0010839, OMIM 600175.
Metatropic dysplasia (MTD). Also called: Metatropic Dysplasia, TRPV4-Related; METATROPIC DWARFISM; Metatropic dysplasia, nonlethal dominant. Identifiers: Orphanet 2635, MedGen C0265281, MONDO:0007986, OMIM 156530.
Brachyrachia (short spine dysplasia) (BCYM3). Also called: BRACHYRACHIA; Autosomal dominant brachyolmia; Brachyolmia, TRPV4-Related; Brachyolmia Type 3. Identifiers: Orphanet 93304, MedGen C0432227, MONDO:0007232, OMIM 113500.
Charcot-Marie-Tooth disease axonal type 2C (HMSN2C). Also called: Charcot-Marie-Tooth Disease Type 2, TRPV4-Related (CMT2C); CHARCOT-MARIE-TOOTH DISEASE, AXONAL, AUTOSOMAL DOMINANT, TYPE 2C; Charcot-Marie-Tooth Neuropathy Type 2C. Identifiers: Orphanet 99937, MedGen C1853710, MONDO:0011633, OMIM 606071.
Spondylometaphyseal dysplasia, Kozlowski type (SMDK). Also called: Dysmorphism arthrogryposis skeletal maturation advanced; Jequier-Kozlowski syndrome; Skeletal dysplasia Jequier-Kozlowski type; SMD Kozlowski type; Spondylometaphyseal Dysplasia, TRPV4-Related (Kozlowski Type). Identifiers: Orphanet 93314, MedGen C0265280, MONDO:0008477, OMIM 184252.

Allele frequency attached by ClinVar (database versions not stated): gnomAD exomes 0.00006 and 0.00012; ExAC 0.00012; gnomAD 0.00041 and 0.00042; TOPMed 0.00051; 1000 Genomes Project 0.00060; 1000 Genomes Project 30x 0.00078.
gnomAD v4.1: 164 of 1,613,604 alleles (0.01%); highest among the groups gnomAD compares: African/African-American, 0.1%; 1 homozygote.

Submissions (10):

Labcorp Genetics (formerly Invitae), Labcorp
Classification: Likely benign for Charcot-Marie-Tooth disease axonal type 2C. Last evaluated: 2025-12-15. Review status: criteria provided, single submitter. Criteria: Invitae Variant Classification Sherloc (09022015). Collection method: clinical testing. Allele origin: germline.

Ambry Genetics
Classification: Likely benign for Inborn genetic diseases. Last evaluated: 2022-12-14. Review status: criteria provided, single submitter. Criteria: Ambry Variant Classification Scheme 2023. Collection method: clinical testing. Allele origin: germline.

GeneDx
Classification: Likely benign. Last evaluated: 2018-05-17. Review status: criteria provided, single submitter. Criteria: GeneDx Variant Classification (06012015). Collection method: clinical testing. Allele origin: germline. Affected: yes.
Comment: This variant is considered likely benign or benign based on one or more of the following criteria: it is a conservative change, it occurs at a poorly conserved position in the protein, it is predicted to be benign by multiple in silico algorithms, and/or has population frequency not consistent with disease.

Illumina Laboratory Services, Illumina
Classification: Benign for Metatropic dysplasia. Last evaluated: 2018-01-13. Review status: criteria provided, single submitter. Criteria: ICSL Variant Classification Criteria 13 December 2019. Collection method: clinical testing. Allele origin: germline.
Comment: This variant was observed in the ICSL laboratory as part of a predisposition screen in an ostensibly healthy population. It had not been previously curated by ICSL or reported in the Human Gene Mutation Database (HGMD: prior to June 1st, 2018), and was therefore a candidate for classification through an automated scoring system. Utilizing variant allele frequency, disease prevalence and penetrance estimates, and inheritance mode, an automated score was calculated to assess if this variant is too frequent to cause the disease. Based on the score and internal cut-off values, a variant classified as benign is not then subjected to further curation. The score for this variant resulted in a classification of benign for this disease.

Illumina Laboratory Services, Illumina
Classification: Benign for Spondylometaphyseal dysplasia, Kozlowski type. Last evaluated: 2018-01-13. Review status: criteria provided, single submitter. Criteria: ICSL Variant Classification Criteria 13 December 2019. Collection method: clinical testing. Allele origin: germline.
Comment: the same text as in the submission from Illumina Laboratory Services, Illumina above.

Illumina Laboratory Services, Illumina
Classification: Benign for Neuronopathy, distal hereditary motor, autosomal dominant 8. Last evaluated: 2018-01-13. Review status: criteria provided, single submitter. Criteria: ICSL Variant Classification Criteria 13 December 2019. Collection method: clinical testing. Allele origin: germline.
Comment: the same text as in the submission from Illumina Laboratory Services, Illumina above.

Illumina Laboratory Services, Illumina
Classification: Benign for Scapuloperoneal spinal muscular atrophy. Last evaluated: 2018-01-13. Review status: criteria provided, single submitter. Criteria: ICSL Variant Classification Criteria 13 December 2019. Collection method: clinical testing. Allele origin: germline.
Comment: the same text as in the submission from Illumina Laboratory Services, Illumina above.

Illumina Laboratory Services, Illumina
Classification: Likely benign for Charcot-Marie-Tooth disease axonal type 2C. Last evaluated: 2018-01-13. Review status: criteria provided, single submitter. Criteria: ICSL Variant Classification Criteria 13 December 2019. Collection method: clinical testing. Allele origin: germline.
Comment: This variant was observed in the ICSL laboratory as part of a predisposition screen in an ostensibly healthy population. It had not been previously curated by ICSL or reported in the Human Gene Mutation Database (HGMD: prior to June 1st, 2018), and was therefore a candidate for classification through an automated scoring system. Utilizing variant allele frequency, disease prevalence and penetrance estimates, and inheritance mode, an automated score was calculated to assess if this variant is too frequent to cause the disease. Based on the score and internal cut-off values, a variant classified as likely benign is not then subjected to further curation. The score for this variant resulted in a classification of likely benign for this disease.

Illumina Laboratory Services, Illumina
Classification: Benign for Brachyrachia (short spine dysplasia). Last evaluated: 2018-01-13. Review status: criteria provided, single submitter. Criteria: ICSL Variant Classification Criteria 13 December 2019. Collection method: clinical testing. Allele origin: germline.
Comment: the same text as in the submission from Illumina Laboratory Services, Illumina above.

PreventionGenetics, part of Exact Sciences
Classification: Likely benign for TRPV4-related condition. Last evaluated: 2022-06-06. Review status: no assertion criteria provided. Collection method: clinical testing. Allele origin: germline. Not counted in ClinVar's aggregate classification.
Comment: This variant is classified as likely benign based on ACMG/AMP sequence variant interpretation guidelines (Richards et al. 2015 PMID: 25741868, with internal and published modifications).

NM_021625.5(TRPV4):c.1093G>A (p.Val365Met)

Gene: TRPV4 (transient receptor potential cation channel subfamily V member 4; minus strand). Cytogenetic location: 12q24.11.
Variant type: single nucleotide variant.
Coding change: c.1093G>A on transcript NM_021625.5 (MANE Select); coding-DNA position 1093, G replaced by A.
Protein change: p.Val365Met; replaces valine 365 with methionine.
Molecular consequence: missense variant.
Genome position (GRCh38, 1-based): chr12:109,798,673, C>T on the plus strand (G>A on the coding strand, the complement: TRPV4 is on the minus strand). VCF-style: chr12-109798673-C-T. GRCh37 (hg19) VCF-style: chr12-110236478-C-T.
Other names: c.991G>A, p.Val331Met (NM_001177431.2); c.952G>A, p.Val318Met (NM_001177433.2, NM_001177428.2); c.1093G>A, p.Val365Met (NM_147204.3); short protein forms V365M, V318M, V331M.
Identifiers: ClinVar variation 307133 (VCV000307133.23), dbSNP rs570675468, ClinGen allele CA6780353.
Genomic context (GRCh38, chr12:109,798,673, plus strand): 5'-CCCCAATCTTGCCCGTCTTGGCAGCCATCATGAGGGGCGAGAGGCCGTCGTTGTTGAGCA[C>T]GGCCTCCAGGTTGCTGTCGGGGAAGAGGCGGGCACACTTGAGCAGCAGCAGGTCGTACAT-3'
Protein context (NP_067638.3, residues 355-375): RLFPDSNLEA[Val365Met]LNNDGLSPLM